The following is an entry in ClinVar:

ClinVar aggregate classification (germline): Uncertain significance. Review status: criteria provided, multiple submitters, no conflicts (2 of 4 stars). 4 submissions from 4 submitters: Uncertain significance (2). 2 of the submissions do not count toward it. Last evaluated 2024-12-13.

Conditions:
Fanconi anemia (FA). Also called: Fanconi's anemia. Identifiers: Orphanet 84, MedGen C0015625, MeSH D005199, MONDO:0019391.
FANCA-related disorder. Also called: FANCA-related condition.

Allele frequency attached by ClinVar (database versions not stated): gnomAD exomes 0.00001; TOPMed 0.00001.
gnomAD v4.1: 15 of 1,614,082 alleles (0.00093%); highest among the groups gnomAD compares: Admixed American, 0.0033%; no homozygotes.

Submissions (4):

Labcorp Genetics (formerly Invitae), Labcorp
Classification: Uncertain significance for Fanconi anemia. Last evaluated: 2024-12-13. Review status: criteria provided, single submitter. Criteria: Invitae Variant Classification Sherloc (09022015). Collection method: clinical testing. Allele origin: germline.
Comment: This sequence change replaces alanine, which is neutral and non-polar, with threonine, which is neutral and polar, at codon 280 of the FANCA protein (p.Ala280Thr). This variant is present in population databases (no rsID available, gnomAD 0.006%). This variant has not been reported in the literature in individuals affected with FANCA-related conditions. ClinVar contains an entry for this variant (Variation ID: 526316). Invitae Evidence Modeling of protein sequence and biophysical properties (such as structural, functional, and spatial information, amino acid conservation, physicochemical variation, residue mobility, and thermodynamic stability) indicates that this missense variant is not expected to disrupt FANCA protein function with a negative predictive value of 95%. In summary, the available evidence is currently insufficient to determine the role of this variant in disease. Therefore, it has been classified as a Variant of Uncertain Significance.

Quest Diagnostics Nichols Institute San Juan Capistrano
Classification: Uncertain significance. Last evaluated: 2024-02-06. Review status: criteria provided, single submitter. Criteria: Quest Diagnostics criteria. Collection method: clinical testing. Allele origin: unknown.
Comment: The FANCA c.838G>A (p.Ala280Thr) variant has not been reported in individuals with FANCA-related conditions in the published literature. The frequency of this variant in the general population, 0.000008 (2/250210 chromosomes (Genome Aggregation Database)), is uninformative in the assessment of its pathogenicity. Analysis of this variant using bioinformatics tools for the prediction of the effect of amino acid changes on protein structure and function yielded predictions that this variant is benign. Based on the available information, we are unable to determine the clinical significance of this variant.

PreventionGenetics, part of Exact Sciences
Classification: Uncertain significance for FANCA-related condition. Last evaluated: 2024-02-19. Review status: no assertion criteria provided. Collection method: clinical testing. Allele origin: germline. Not counted in ClinVar's aggregate classification.
Comment: The FANCA c.838G>A variant is predicted to result in the amino acid substitution p.Ala280Thr. To our knowledge, this variant has not been reported in the literature. This variant is reported in 0.0054% of alleles in individuals of East Asian descent in gnomAD. At this time, the clinical significance of this variant is uncertain due to the absence of conclusive functional and genetic evidence.

Natera, Inc.
Classification: Uncertain significance for Fanconi anemia. Last evaluated: 2021-01-13. Review status: no assertion criteria provided. Collection method: clinical testing. Allele origin: germline. Not counted in ClinVar's aggregate classification.

NM_000135.4(FANCA):c.838G>A (p.Ala280Thr)

Gene: FANCA (FA complementation group A; minus strand). Cytogenetic location: 16q24.3.
Variant type: single nucleotide variant.
Coding change: c.838G>A on transcript NM_000135.4 (MANE Select); coding-DNA position 838, G replaced by A.
Protein change: p.Ala280Thr; replaces alanine 280 with threonine.
Molecular consequence: missense variant.
Genome position (GRCh38, 1-based): chr16:89,799,221, C>T on the plus strand (G>A on the coding strand, the complement: FANCA is on the minus strand). VCF-style: chr16-89799221-C-T. GRCh37 (hg19) VCF-style: chr16-89865629-C-T.
Other names: c.838G>A (LRG_495t1, NM_000135.3); c.838G>A, p.Ala280Thr (NM_001018112.3, NM_001286167.3); c.742G>A, p.Ala248Thr (NM_001351830.2); short protein forms A280T, A248T.
Identifiers: ClinVar variation 526316 (VCV000526316.9), dbSNP rs1010833101, ClinGen allele CA286599481.